The following is an entry in ClinVar:

NC_000009.11:g.(?_432146)_(847163_?)dup

Genes: DMRT1 (doublesex and mab-3 related transcription factor 1; plus strand), DOCK8 (dedicator of cytokinesis 8; plus strand), KANK1 (KN motif and ankyrin repeat domains 1; plus strand). Cytogenetic location: 9p24.3.
Variant type: Duplication.
Identifiers: ClinVar variation 2427719 (VCV002427719.8).

ClinVar aggregate classification (germline): Uncertain significance (1 of 4 stars; one submission).

Conditions:
Hyper-IgE recurrent infection syndrome 3, autosomal recessive. Also called: Autosomal recessive hyper-IgE syndrome due to ZNF341 deficiency; HYPER-IgE SYNDROME 3, AUTOSOMAL RECESSIVE, WITH RECURRENT INFECTIONS. Identifiers: Orphanet 641368, MedGen C4748969, MONDO:0032654, OMIM 618282.

Submission:

Labcorp Genetics (formerly Invitae), Labcorp
Classification: Uncertain significance for Combined immunodeficiency due to DOCK8 deficiency. Last evaluated: 2022-04-07. Review status: criteria provided, single submitter. Criteria: Invitae Variant Classification Sherloc (09022015). Collection method: clinical testing. Allele origin: germline.
Comment: In summary, the available evidence is currently insufficient to determine the role of this variant in disease. Therefore, it has been classified as a Variant of Uncertain Significance. Experimental studies and prediction algorithms are not available or were not evaluated, and the functional significance of this variant is currently unknown. This variant has not been reported in the literature in individuals affected with DOCK8-related conditions. This variant results in a copy number gain of the genomic region encompassing exon(s) 37-48 of the DOCK8 gene. This region includes the termination codon of the gene. This copy number gain extends beyond the assayed region for this gene and therefore may encompass additional genes. As the precise location of this event is unknown, it may be in tandem or it may be located elsewhere in the genome.